The following is an entry in ClinVar:

NM_000815.5(GABRD):c.195T>A (p.Asn65Lys)

Gene: GABRD (gamma-aminobutyric acid type A receptor subunit delta; plus strand). Cytogenetic location: 1p36.33.
Variant type: single nucleotide variant.
Coding change: c.195T>A on transcript NM_000815.5 (MANE Select); coding-DNA position 195, T replaced by A.
Protein change: p.Asn65Lys; replaces asparagine 65 with lysine.
Molecular consequence: missense variant.
Genome position (GRCh38, 1-based): chr1:2,025,347, T>A. VCF-style: chr1-2025347-T-A. GRCh37 (hg19) VCF-style: chr1-1956786-T-A.
Other names: short protein forms N65K.
Identifiers: ClinVar variation 2852530 (VCV002852530.3), dbSNP rs750523706, ClinGen allele CA337955920.
Genomic context (GRCh38, chr1:2,025,347, plus strand): 5'-ATGCTGGGCCGGCCTCAGTCCTTCTTAGTTCTGCTCTTTCCTTGCAGGCCCCCCCGTGAA[T>A]GTGGCCCTTGCCCTGGAGGTGGCCAGCATCGACCACATCTCAGAGGCCAACATGGTAGGT-3'
Protein context (NP_000806.2, residues 55-75): FRPGIGGPPV[Asn65Lys]VALALEVASI

ClinVar aggregate classification (germline): Uncertain significance (1 of 4 stars; one submission).

Conditions:
Idiopathic generalized epilepsy. Also called: Generalised epilepsy; EIG. Identifiers: MedGen C0270850, MONDO:0005579, OMIM 600669.

Submission:

Labcorp Genetics (formerly Invitae), Labcorp
Classification: Uncertain significance for Idiopathic generalized epilepsy. Last evaluated: 2023-04-06. Review status: criteria provided, single submitter. Criteria: Invitae Variant Classification Sherloc (09022015). Collection method: clinical testing. Allele origin: germline.
Comment: An algorithm developed to predict the effect of missense changes on protein structure and function (PolyPhen-2) suggests that this variant is likely to be disruptive. This variant has not been reported in the literature in individuals affected with GABRD-related conditions. This variant is not present in population databases (gnomAD no frequency). This sequence change replaces asparagine, which is neutral and polar, with lysine, which is basic and polar, at codon 65 of the GABRD protein (p.Asn65Lys). In summary, the available evidence is currently insufficient to determine the role of this variant in disease. Therefore, it has been classified as a Variant of Uncertain Significance.